The following is an entry in ClinVar:

ClinVar aggregate classification (germline): Uncertain significance (1 of 4 stars; one submission).

Conditions:
COL5A1-related disorder. Also called: COL5A1-related condition.

Submission:

PreventionGenetics, part of Exact Sciences
Classification: Uncertain significance for COL5A1-related condition. Last evaluated: 2022-12-09. Review status: criteria provided, single submitter. Criteria: ACMG Guidelines, 2015. Collection method: clinical testing. Allele origin: germline.
Comment: The COL5A1 c.4446G>C variant is predicted to result in the amino acid substitution p.Lys1482Asn. To our knowledge, this variant has not been reported in the literature or in a large population database, indicating this variant is rare. At this time, the clinical significance of this variant is uncertain due to the absence of conclusive functional and genetic evidence.

NM_000093.5(COL5A1):c.4446G>C (p.Lys1482Asn)

Gene: COL5A1 (collagen type V alpha 1 chain; plus strand). Cytogenetic location: 9q34.3.
Variant type: single nucleotide variant.
Coding change: c.4446G>C on transcript NM_000093.5 (MANE Select); coding-DNA position 4446, G replaced by C.
Protein change: p.Lys1482Asn; replaces lysine 1482 with asparagine.
Molecular consequence: missense variant.
Genome position (GRCh38, 1-based): chr9:134,819,053, G>C. VCF-style: chr9-134819053-G-C. GRCh37 (hg19) VCF-style: chr9-137710899-G-C.
Other names: c.4446G>C, p.Lys1482Asn (NM_001278074.1); short protein forms K1482N.
Identifiers: ClinVar variation 2629816 (VCV002629816.1), dbSNP rs2490851934, ClinGen allele CA375457631.